The following is an entry in ClinVar:

NM_000059.4(BRCA2):c.10049A>G (p.Gln3350Arg)

Gene: BRCA2 (BRCA2 DNA repair associated; plus strand). Cytogenetic location: 13q13.1.
Variant type: single nucleotide variant.
Coding change: c.10049A>G on transcript NM_000059.4 (MANE Select); coding-DNA position 10049, A replaced by G.
Protein change: p.Gln3350Arg; replaces glutamine 3350 with arginine.
Molecular consequence: missense variant.
Genome position (GRCh38, 1-based): chr13:32,398,562, A>G. VCF-style: chr13-32398562-A-G. GRCh37 (hg19) VCF-style: chr13-32972699-A-G.
Other names: short protein forms Q3350R.
Identifiers: ClinVar variation 489739 (VCV000489739.21), dbSNP rs1555290029, ClinGen allele CA387767832.
Genomic context (GRCh38, chr13:32,398,562, plus strand): 5'-AAATTTCTCTTTTGGAAAGTAATTCAATAGCTGACGAAGAACTTGCATTGATAAATACCC[A>G]AGCTCTTTTGTCTGGTTCAACAGGAGAAAAACAATTTATATCTGTCAGTGAATCCACTAG-3'
Protein context (NP_000050.3, residues 3340-3360): ADEELALINT[Gln3350Arg]ALLSGSTGEK

ClinVar aggregate classification (germline): Uncertain significance. Review status: criteria provided, multiple submitters, no conflicts (2 of 4 stars). 5 submissions from 5 submitters: Uncertain significance (5). Last evaluated 2025-11-30.

Conditions:
Hereditary cancer-predisposing syndrome. Also called: Tumor predisposition; Neoplastic Syndromes, Hereditary; Hereditary Cancer Syndrome; Hereditary neoplastic syndrome. Identifiers: Orphanet 140162, MedGen C0027672, MeSH D009386, MONDO:0015356.
Hereditary breast ovarian cancer syndrome. Also called: Hereditary breast and ovarian cancer; Hereditary breast and ovarian cancer syndrome (HBOC); BRCA1- and BRCA2-Associated Hereditary Breast and Ovarian Cancer; Breast and ovarian cancer; Hereditary breast and ovarian cancer syndrome; Hereditary breast and/or ovarian cancer syndrome. Identifiers: Orphanet 145, MedGen C0677776, MeSH D061325, MONDO:0003582. Disease mechanism: loss of function.
Breast-ovarian cancer, familial, susceptibility to, 2 (BROVCA2). Also called: BRCA2 Hereditary Breast and Ovarian Cancer. Identifiers: Orphanet 145, MedGen C2675520, MONDO:0012933, OMIM 612555. Disease mechanism: loss of function.

Submissions (5):

Labcorp Genetics (formerly Invitae), Labcorp
Classification: Uncertain significance for Hereditary breast ovarian cancer syndrome. Last evaluated: 2025-11-30. Review status: criteria provided, single submitter. Criteria: Invitae Variant Classification Sherloc (09022015). Collection method: clinical testing. Allele origin: germline.
Comment: This sequence change replaces glutamine, which is neutral and polar, with arginine, which is basic and polar, at codon 3350 of the BRCA2 protein (p.Gln3350Arg). This variant is not present in population databases (gnomAD no frequency). This variant has not been reported in the literature in individuals affected with BRCA2-related conditions. ClinVar contains an entry for this variant (Variation ID: 489739). Invitae Evidence Modeling of protein sequence and biophysical properties (such as structural, functional, and spatial information, amino acid conservation, physicochemical variation, residue mobility, and thermodynamic stability) indicates that this missense variant is not expected to disrupt BRCA2 protein function with a negative predictive value of 95%. In summary, the available evidence is currently insufficient to determine the role of this variant in disease. Therefore, it has been classified as a Variant of Uncertain Significance.

Ambry Genetics
Classification: Uncertain significance for Hereditary cancer-predisposing syndrome. Last evaluated: 2024-10-28. Review status: criteria provided, single submitter. Criteria: Ambry Variant Classification Scheme 2023. Collection method: clinical testing. Allele origin: germline.
Comment: The p.Q3350R variant (also known as c.10049A>G), located in coding exon 26 of the BRCA2 gene, results from an A to G substitution at nucleotide position 10049. The glutamine at codon 3350 is replaced by arginine, an amino acid with highly similar properties. This amino acid position is highly conserved in available vertebrate species. In addition, the in silico prediction for this alteration is inconclusive. Since supporting evidence is limited at this time, the clinical significance of this alteration remains unclear.

Color Diagnostics, LLC DBA Color Health
Classification: Uncertain significance for Hereditary cancer-predisposing syndrome. Last evaluated: 2024-03-06. Review status: criteria provided, single submitter. Criteria: ACMG Guidelines, 2015. Collection method: clinical testing. Allele origin: germline.
Comment: This missense variant replaces glutamine with arginine at codon 3350 of the BRCA2 protein. Computational prediction suggests that this variant may not impact protein structure and function (internally defined REVEL score threshold <= 0.5, PMID: 27666373). To our knowledge, functional studies have not been reported for this variant. This variant has not been reported in individuals affected with BRCA2-related disorders in the literature. This variant has not been identified in the general population by the Genome Aggregation Database (gnomAD). The available evidence is insufficient to determine the role of this variant in disease conclusively. Therefore, this variant is classified as a Variant of Uncertain Significance.

Women's Health and Genetics/Laboratory Corporation of America, LabCorp
Classification: Uncertain significance. Last evaluated: 2024-02-14. Review status: criteria provided, single submitter. Criteria: LabCorp Variant Classification Summary - May 2015. Collection method: clinical testing. Allele origin: germline.

All of Us Research Program, National Institutes of Health
Classification: Uncertain significance for Breast-ovarian cancer, familial, susceptibility to, 2. Last evaluated: 2023-06-08. Review status: criteria provided, single submitter. Criteria: ACMG Guidelines, 2015. Collection method: clinical testing. Allele origin: germline. Inheritance: Autosomal dominant inheritance. Observed: 1 variant allele, 1 heterozygote.
Comment: This missense variant replaces glutamine with arginine at codon 3350 of the BRCA2 protein. Computational prediction suggests that this variant may not impact protein structure and function (internally defined REVEL score threshold <= 0.5, PMID: 27666373). To our knowledge, functional studies have not been reported for this variant. This variant has not been reported in individuals affected with BRCA2-related disorders in the literature. This variant has not been identified in the general population by the Genome Aggregation Database (gnomAD). The available evidence is insufficient to determine the role of this variant in disease conclusively. Therefore, this variant is classified as a Variant of Uncertain Significance.

This study involves interpretation of variants in research participants for the purpose of population health screening. Participant phenotype was not available at the time of variant classification. Additional details can be found in publication PMID: 35346344, PMCID: PMC8962531